The following is an entry in ClinVar:

ClinVar aggregate classification (germline): Uncertain significance (1 of 4 stars; one submission).

Conditions:
Ullrich congenital muscular dystrophy 2 (UCMD2). Identifiers: Orphanet 75840, MedGen C4225314, MONDO:0014654, OMIM 616470.
Bethlem myopathy 2 (BTHLM2). Identifiers: Orphanet 536516, Orphanet 610, MedGen C4225313, MONDO:0034022, OMIM 616471.

Submission:

Labcorp Genetics (formerly Invitae), Labcorp
Classification: Uncertain significance for Bethlem myopathy 2; Ullrich congenital muscular dystrophy 2. Last evaluated: 2025-02-18. Review status: criteria provided, single submitter. Criteria: Invitae Variant Classification Sherloc (09022015). Collection method: clinical testing. Allele origin: germline.
Comment: This sequence change replaces isoleucine, which is neutral and non-polar, with valine, which is neutral and non-polar, at codon 503 of the COL12A1 protein (p.Ile503Val). This variant is not present in population databases (gnomAD no frequency). This variant has not been reported in the literature in individuals affected with COL12A1-related conditions. Invitae Evidence Modeling of protein sequence and biophysical properties (such as structural, functional, and spatial information, amino acid conservation, physicochemical variation, residue mobility, and thermodynamic stability) indicates that this missense variant is not expected to disrupt COL12A1 protein function with a negative predictive value of 80%. In summary, the available evidence is currently insufficient to determine the role of this variant in disease. Therefore, it has been classified as a Variant of Uncertain Significance.

NM_004370.6(COL12A1):c.1507A>G (p.Ile503Val)

Gene: COL12A1 (collagen type XII alpha 1 chain; minus strand). Cytogenetic location: 6q13.
Variant type: single nucleotide variant.
Coding change: c.1507A>G on transcript NM_004370.6 (MANE Select); coding-DNA position 1507, A replaced by G.
Protein change: p.Ile503Val; replaces isoleucine 503 with valine.
Molecular consequence: missense variant. On other transcripts: intron variant (2).
Genome position (GRCh38, 1-based): chr6:75,183,434, T>C on the plus strand (A>G on the coding strand, the complement: COL12A1 is on the minus strand). VCF-style: chr6-75183434-T-C. GRCh37 (hg19) VCF-style: chr6-75893150-T-C.
Other names: c.1507A>G, p.Ile503Val (NM_001424113.1, NM_001424114.1, NM_001424115.1); c.73+19286A>G (NM_001424116.1, NM_080645.3); short protein forms I503V.
Identifiers: ClinVar variation 3758743 (VCV003758743.2).